The following is an entry in ClinVar:

ClinVar aggregate classification (germline): Pathogenic/Likely pathogenic. Review status: criteria provided, multiple submitters, no conflicts (2 of 4 stars). 7 submissions from 7 submitters: Pathogenic (1); Likely pathogenic (6). Last evaluated 2026-04-16.

Conditions:
Glycogen storage disease, type V (GSD5). Also called: MCARDLE DISEASE; MUSCLE GLYCOGEN PHOSPHORYLASE DEFICIENCY; MYOPHOSPHORYLASE DEFICIENCY; PYGM DEFICIENCY; McArdle type glycogen storage disease. Identifiers: Orphanet 368, MedGen C0017924, MONDO:0009293, OMIM 232600.

Allele frequency attached by ClinVar (database versions not stated): gnomAD exomes below 0.00001 and 0.00001; ExAC 0.00002; gnomAD 0.00004 and 0.00005; TOPMed 0.00004; ESP Exome Variant Server 0.00015.
gnomAD v4.1: 9 of 1,614,072 alleles (0.00056%); highest among the groups gnomAD compares: African/African-American, 0.0093%; no homozygotes.

Submissions (7):

Myriad Genetics, Inc.
Classification: Likely pathogenic for Glycogen storage disease, type V. Last evaluated: 2026-04-16. Review status: criteria provided, single submitter. Criteria: Myriad Autosomal Dominant, Autosomal Recessive and X-Linked Classification Criteria (2023). Collection method: clinical testing. Allele origin: unknown.
Comment: NM_005609.2(PYGM):c.2178-1G>A is a variant in a canonical splice site classified as likely pathogenic in the context of glycogen storage disease, PYGM-related. c.2178-1G>A has been observed in a case with relevant disease (PMID: 38670875). Relevant functional assessments of this variant are not available in the literature. Internal structural analysis of the variant is supportive of pathogenicity. c.2178-1G>A has been observed in referenced population frequency databases. In summary, NM_005609.2(PYGM):c.2178-1G>A is a variant in a canonical splice site that has internal structural support for pathogenicity and has been observed more frequently in cases with the relevant disease than in healthy populations. Please note: this variant was assessed in the context of healthy population screening.

Labcorp Genetics (formerly Invitae), Labcorp
Classification: Likely pathogenic for Glycogen storage disease, type V. Last evaluated: 2026-01-21. Review status: criteria provided, single submitter. Criteria: Invitae Variant Classification Sherloc (09022015). Collection method: clinical testing. Allele origin: germline.
Comment: This sequence change affects an acceptor splice site in intron 17 of the PYGM gene. It is expected to disrupt RNA splicing. Variants that disrupt the donor or acceptor splice site typically lead to a loss of protein function (PMID: 16199547), and loss-of-function variants in PYGM are known to be pathogenic (PMID: 8316268, 16786513). This variant is present in population databases (rs143670942, gnomAD 0.02%). Disruption of this splice site has been observed in individual(s) with McArdle's disease (PMID: 38670875). ClinVar contains an entry for this variant (Variation ID: 449668). Algorithms developed to predict the effect of sequence changes on RNA splicing suggest that this variant may disrupt the consensus splice site. In summary, the currently available evidence indicates that the variant is pathogenic, but additional data are needed to prove that conclusively. Therefore, this variant has been classified as Likely Pathogenic.

Natera, Inc.
Classification: Likely pathogenic for Glycogen storage disease V. Last evaluated: 2025-06-16. Review status: criteria provided, single submitter. Criteria: Natera Variant Classification Schema (03/2026). Collection method: clinical testing. Allele origin: germline.
Comment: The c.2178-1G>A variant in PYGM is a canonical splice acceptor site variant predicted to affect pre-mRNA splicing, which may result in an abnormal transcript and altered protein product. This variant is expected to result in nonsense mediated decay, truncation, or a dysfunctional protein product. This variant is rare in the general population with a frequency below the threshold expected for the associated phenotype(s). Given the available evidence, this variant is classified as Likely Pathogenic.

Fulgent Genetics
Classification: Likely pathogenic for Glycogen storage disease, type V. Last evaluated: 2024-05-16. Review status: criteria provided, single submitter. Criteria: ACMG Guidelines, 2015. Collection method: clinical testing. Allele origin: germline.

Baylor Genetics
Classification: Likely pathogenic for Glycogen storage disease, type V. Last evaluated: 2024-03-29. Review status: criteria provided, single submitter. Criteria: ACMG Guidelines, 2015. Collection method: clinical testing. Allele origin: unknown.

GeneDx
Classification: Likely pathogenic. Last evaluated: 2019-06-27. Review status: criteria provided, single submitter. Criteria: GeneDx Variant Classification Process June 2021. Collection method: clinical testing. Allele origin: germline. Affected: yes.
Comment: Canonical splice site variant predicted to result in an in-frame deletion of a critical region; Deletions involving coding exons in this gene are frequently reported as pathogenic, regardless of frame prediction (Stenson et al., 2014); Has not been previously published as pathogenic or benign to our knowledge

Revvity Omics, Revvity
Classification: Pathogenic for Glycogen storage disease, type V. Last evaluated: 2019-03-08. Review status: criteria provided, single submitter. Criteria: ACMG Guidelines, 2015. Collection method: clinical testing. Allele origin: germline.

Literature cited by the submitters: PubMed 38670875 (cited by Myriad Genetics, Inc. and Labcorp Genetics (formerly Invitae), Labcorp); PubMed 16199547 (cited by Labcorp Genetics (formerly Invitae), Labcorp); PubMed 8316268 (cited by Labcorp Genetics (formerly Invitae), Labcorp); PubMed 16786513 (cited by Labcorp Genetics (formerly Invitae), Labcorp).

NM_005609.4(PYGM):c.2178-1G>A

Gene: PYGM (glycogen phosphorylase, muscle associated; minus strand). Cytogenetic location: 11q13.1.
Variant type: single nucleotide variant.
Coding change: c.2178-1G>A on transcript NM_005609.4 (MANE Select); the canonical splice acceptor site of the intron before coding-DNA position 2178, G replaced by A.
Molecular consequence: splice acceptor variant.
Genome position (GRCh38, 1-based): chr11:64,747,359, C>T on the plus strand (G>A on the coding strand, the complement: PYGM is on the minus strand). VCF-style: chr11-64747359-C-T. GRCh37 (hg19) VCF-style: chr11-64514831-C-T.
Other names: c.1914-1G>A (NM_001164716.1); c.2178-1G>A (NM_005609.3).
Identifiers: ClinVar variation 449668 (VCV000449668.21), dbSNP rs143670942, ClinGen allele CA6079609.